The following is an entry in ClinVar:

ClinVar aggregate classification (germline): Uncertain significance. Review status: criteria provided, multiple submitters, no conflicts (2 of 4 stars). 3 submissions from 3 submitters: Uncertain significance (3). Last evaluated 2023-10-13.

Conditions:
Long QT syndrome (LQTS). Identifiers: MedGen C0023976, MeSH D008133, MONDO:0002442. Disease mechanism: loss of function. Inheritance: Various modes of inheritance.

Submissions (3):

Labcorp Genetics (formerly Invitae), Labcorp
Classification: Uncertain significance for Long QT syndrome. Last evaluated: 2023-10-13. Review status: criteria provided, single submitter. Criteria: Invitae Variant Classification Sherloc (09022015). Collection method: clinical testing. Allele origin: germline.
Comment: This sequence change replaces cysteine, which is neutral and slightly polar, with tyrosine, which is neutral and polar, at codon 1311 of the CACNA1C protein (p.Cys1311Tyr). This variant is not present in population databases (gnomAD no frequency). This variant has not been reported in the literature in individuals affected with CACNA1C-related conditions. ClinVar contains an entry for this variant (Variation ID: 2107958). Advanced modeling of protein sequence and biophysical properties (such as structural, functional, and spatial information, amino acid conservation, physicochemical variation, residue mobility, and thermodynamic stability) performed at Invitae indicates that this missense variant is not expected to disrupt CACNA1C protein function. In summary, the available evidence is currently insufficient to determine the role of this variant in disease. Therefore, it has been classified as a Variant of Uncertain Significance.

Clinical Genetics Laboratory, Skane University Hospital Lund
Classification: Uncertain significance. Last evaluated: 2023-08-11. Review status: criteria provided, single submitter. Criteria: ACMG Guidelines, 2015. Collection method: clinical testing. Allele origin: germline. Affected: yes.

Blueprint Genetics
Classification: Uncertain significance. Last evaluated: 2021-02-09. Review status: criteria provided, single submitter. Criteria: ACMG Guidelines, 2015. Collection method: clinical testing. Allele origin: germline.

NM_000719.7(CACNA1C):c.3932G>A (p.Cys1311Tyr)

Gene: CACNA1C (calcium voltage-gated channel subunit alpha1 C; plus strand). Cytogenetic location: 12p13.33.
Variant type: single nucleotide variant.
Coding change: c.3932G>A on transcript NM_000719.7 (MANE Select); coding-DNA position 3932, G replaced by A.
Protein change: p.Cys1311Tyr; replaces cysteine 1311 with tyrosine.
Molecular consequence: missense variant. On other transcripts: intron variant (6).
Genome position (GRCh38, 1-based): chr12:2,648,494, G>A. VCF-style: chr12-2648494-G-A. GRCh37 (hg19) VCF-style: chr12-2757660-G-A.
Other names: c.4076G>A, p.Cys1359Tyr (NM_001129827.2, NM_199460.4); c.3932G>A, p.Cys1311Tyr (NM_001129829.2, NM_001129830.3, NM_001129833.2 and 8 more transcripts); c.4016G>A, p.Cys1339Tyr (NM_001129831.2); c.3992G>A, p.Cys1331Tyr (NM_001129832.2); c.3923G>A, p.Cys1308Tyr (NM_001129844.2); c.3913-3146G>A (NM_001167625.2, NM_001129837.2, NM_001129838.2 and 1 more transcripts); c.3907-3146G>A (NM_001129839.2); c.3997-3146G>A (NM_001129836.2); short protein forms C1311Y, C1331Y, C1359Y, C1308Y, C1339Y.
Identifiers: ClinVar variation 2107958 (VCV002107958.6), dbSNP rs2527118358, ClinGen allele CA383373210.
Genomic context (GRCh38, chr12:2,648,494, plus strand): 5'-GAGACTCATTACAGCTTATCTCTATCTGCCTTTCTTTAAAGCCAGCTGAACATACCCAAT[G>A]CTCTCCCTCTATGGTAAGACCAACCCTCCCGACCATGCTCCCGGCTTCCGTGTCCCCCTC-3'
Protein context (NP_000710.5, residues 1301-1321): TEVNPAEHTQ[Cys1311Tyr]SPSMNAEENS